The following is an entry in ClinVar:

NM_004960.4(FUS):c.-5C>G

Gene: FUS (FUS DNA/RNA binding protein; plus strand). Cytogenetic location: 16p11.2.
Variant type: single nucleotide variant.
Coding change: c.-5C>G on transcript NM_004960.4 (MANE Select); 5 bases upstream of the start codon, C replaced by G.
Molecular consequence: 5 prime UTR variant. On other transcripts: non-coding transcript variant (1).
Genome position (GRCh38, 1-based): chr16:31,180,210, C>G. VCF-style: chr16-31180210-C-G. GRCh37 (hg19) VCF-style: chr16-31191531-C-G.
Other names: c.-5C>G (NM_001170634.1, NM_001170937.1).
Identifiers: ClinVar variation 3047979 (VCV003047979.3), dbSNP rs773172881, ClinGen allele CA8023356.

ClinVar aggregate classification (germline): Likely benign. Review status: criteria provided, single submitter (1 of 4 stars). 2 submissions from 2 submitters: Likely benign (1). 1 of the submissions does not count toward it. Last evaluated 2026-09-01.

Conditions:
FUS-related disorder. Also called: FUS-related condition.

Allele frequency attached by ClinVar (database versions not stated): gnomAD exomes 0.00001; ExAC 0.00002; gnomAD 0.00003; TOPMed 0.00006.
gnomAD v4.1: 23 of 1,611,072 alleles (0.0014%); highest among the groups gnomAD compares: Admixed American, 0.018%; no homozygotes.

Submissions (2):

CeGaT Center for Human Genetics Tuebingen
Classification: Likely benign. Last evaluated: 2026-09-01. Review status: criteria provided, single submitter. Criteria: CeGaT Center For Human Genetics Tuebingen Variant Classification Criteria Version 2. Collection method: clinical testing. Allele origin: germline. Affected: yes. Observed: 1 variant allele.
Comment: FUS: BP4

PreventionGenetics, part of Exact Sciences
Classification: Likely benign for FUS-related condition. Last evaluated: 2019-12-18. Review status: no assertion criteria provided. Collection method: clinical testing. Allele origin: germline. Not counted in ClinVar's aggregate classification.
Comment: This variant is classified as likely benign based on ACMG/AMP sequence variant interpretation guidelines (Richards et al. 2015 PMID: 25741868, with internal and published modifications).